The following is an entry in ClinVar:

ClinVar aggregate classification (germline): Uncertain significance (0 of 4 stars; one submission).

Conditions:
PCNT-related disorder. Also called: PCNT-related condition.

gnomAD v4.1: 10 of 1,613,834 alleles (0.00062%); highest among the groups gnomAD compares: East Asian, 0.0045%; no homozygotes.

Submission:

PreventionGenetics, part of Exact Sciences
Classification: Uncertain significance for PCNT-related condition. Last evaluated: 2024-08-09. Review status: no assertion criteria provided. Collection method: clinical testing. Allele origin: germline.
Comment: The PCNT c.1906C>T variant is predicted to result in the amino acid substitution p.Arg636Cys. To our knowledge, this variant has not been reported in the literature. This variant is reported in 0.010% of alleles in individuals of East Asian descent in gnomAD. At this time, the clinical significance of this variant is uncertain due to the absence of conclusive functional and genetic evidence.

NM_006031.6(PCNT):c.1906C>T (p.Arg636Cys)

Gene: PCNT (pericentrin; plus strand). Cytogenetic location: 21q22.3.
Variant type: single nucleotide variant.
Coding change: c.1906C>T on transcript NM_006031.6 (MANE Select); coding-DNA position 1906, C replaced by T.
Protein change: p.Arg636Cys; replaces arginine 636 with cysteine.
Molecular consequence: missense variant.
Genome position (GRCh38, 1-based): chr21:46,355,596, C>T. VCF-style: chr21-46355596-C-T. GRCh37 (hg19) VCF-style: chr21-47775511-C-T.
Other names: c.1552C>T, p.Arg518Cys (NM_001315529.2); short protein forms R518C, R636C.
Identifiers: ClinVar variation 3355501 (VCV003355501.1).